The following is an entry in ClinVar:

ClinVar aggregate classification (germline): Conflicting classifications of pathogenicity. Review status: criteria provided, conflicting classifications (1 of 4 stars). 13 submissions from 13 submitters: Uncertain significance (1); Benign (2); Likely benign (7). 3 of the submissions do not count toward it. Last evaluated 2026-02-01.

Conditions:
ATM-related disorder. Also called: ATM-related disorders; ATM-related condition.
Hereditary cancer-predisposing syndrome. Also called: Neoplastic Syndromes, Hereditary; Hereditary neoplastic syndrome; Tumor predisposition; Hereditary Cancer Syndrome. Identifiers: Orphanet 140162, MedGen C0027672, MeSH D009386, MONDO:0015356.
Breast and/or ovarian cancer. Identifiers: MedGen CN221562.
Ataxia-telangiectasia syndrome (AT). Also called: Ataxia telangiectasia (A-T); Cerebello-oculocutaneous telangiectasia; Immunodeficiency with ataxia telangiectasia; LOUIS-BAR SYNDROME; AT, COMPLEMENTATION GROUP C; ATAXIA-TELANGIECTASIA, FRESNO VARIANT. Identifiers: Orphanet 100, MedGen C0004135, MONDO:0008840, OMIM 208900.
Endometrial carcinoma. Also called: Endometrial carcinoma, somatic. Identifiers: MedGen C0476089, MONDO:0002447, OMIM 608089, HP:0012114.
Familial cancer of breast. Also called: hereditary breast carcinoma; Hereditary breast cancer; BREAST CANCER, FAMILIAL. Identifiers: Orphanet 227535, MedGen C0346153, MONDO:0016419, OMIM 114480. Disease mechanism: loss of function.

Allele frequency attached by ClinVar (database versions not stated): gnomAD exomes 0.00003 and 0.00016; ExAC 0.00016; gnomAD 0.00008 and 0.00004; 1000 Genomes Project 30x 0.00094; 1000 Genomes Project 0.00120; TOPMed 0.00009.
gnomAD v4.1: 56 of 1,613,958 alleles (0.0035%); highest among the groups gnomAD compares: East Asian, 0.11%; no homozygotes.

Submissions (13):

Labcorp Genetics (formerly Invitae), Labcorp
Classification: Likely benign for Ataxia-telangiectasia syndrome. Last evaluated: 2026-02-01. Review status: criteria provided, single submitter. Criteria: Invitae Variant Classification Sherloc (09022015). Collection method: clinical testing. Allele origin: germline.

Institute for Biomarker Research, Medical Diagnostic Laboratories, L.L.C.
Classification: Benign for Hereditary cancer-predisposing syndrome. Last evaluated: 2025-03-10. Review status: criteria provided, single submitter. Criteria: ACMG Guidelines, 2015. Collection method: clinical testing. Allele origin: germline.
Comment: The synonymous variant NM_000051.4(ATM):c.8391T>C (p.Ser2797=) has not been reported previously as a pathogenic variant, to our knowledge. The variant is observed in one or more well-documented healthy adults. The p.Ser2797= variant is observed in 37/18,386 (0.2012%) alleles from individuals of gnomAD East Asian background in gnomAD. All background in 1kG, which is greater than expected for the disorder. The p.Ser2797= variant is not predicted to disrupt an existing splice site. For these reasons, this variant has been classified as Benign

Blueprint Genetics
Classification: Likely benign. Last evaluated: 2024-11-21. Review status: criteria provided, single submitter. Criteria: ACMG Guidelines, 2015. Collection method: clinical testing. Allele origin: germline.

Myriad Genetics, Inc.
Classification: Benign for Familial cancer of breast. Last evaluated: 2024-06-19. Review status: criteria provided, single submitter. Criteria: Myriad Autosomal Dominant, Autosomal Recessive and X-Linked Classification Criteria (2023). Collection method: clinical testing. Allele origin: unknown.
Comment: This variant is considered benign. This variant is a silent/synonymous amino acid change and it is not expected to impact splicing.

CHEO Genetics Diagnostic Laboratory, Children's Hospital of Eastern Ontario
Classification: Likely benign for Breast and/or ovarian cancer. Last evaluated: 2023-05-25. Review status: criteria provided, single submitter. Criteria: ACMG Guidelines, 2015. Collection method: clinical testing. Allele origin: germline.

Women's Health and Genetics/Laboratory Corporation of America, LabCorp
Classification: Likely benign. Last evaluated: 2021-07-19. Review status: criteria provided, single submitter. Criteria: LabCorp Variant Classification Summary - May 2015. Collection method: clinical testing. Allele origin: germline.

Illumina Laboratory Services, Illumina
Classification: Uncertain significance for Ataxia-telangiectasia syndrome. Last evaluated: 2018-01-12. Review status: criteria provided, single submitter. Criteria: ICSL Variant Classification Criteria 13 December 2019. Collection method: clinical testing. Allele origin: germline.

GeneDx
Classification: Likely benign. Last evaluated: 2017-11-27. Review status: criteria provided, single submitter. Criteria: GeneDx Variant Classification (06012015). Collection method: clinical testing. Allele origin: germline. Affected: yes.
Comment: This variant is considered likely benign or benign based on one or more of the following criteria: it is a conservative change, it occurs at a poorly conserved position in the protein, it is predicted to be benign by multiple in silico algorithms, and/or has population frequency not consistent with disease.

Color Diagnostics, LLC DBA Color Health
Classification: Likely benign for Hereditary cancer-predisposing syndrome. Last evaluated: 2016-04-19. Review status: criteria provided, single submitter. Criteria: ACMG Guidelines, 2015. Collection method: clinical testing. Allele origin: germline.

Ambry Genetics
Classification: Likely benign for Hereditary cancer-predisposing syndrome. Last evaluated: 2015-05-15. Review status: criteria provided, single submitter. Criteria: Ambry Variant Classification Scheme 2023. Collection method: clinical testing. Allele origin: germline.

Natera, Inc.
Classification: Likely benign for Ataxia-telangiectasia. Last evaluated: 2020-02-17. Review status: no assertion criteria provided. Collection method: clinical testing. Allele origin: germline. Not counted in ClinVar's aggregate classification.

PreventionGenetics, part of Exact Sciences
Classification: Likely benign for ATM-related condition. Last evaluated: 2019-03-11. Review status: no assertion criteria provided. Collection method: clinical testing. Allele origin: germline. Not counted in ClinVar's aggregate classification.
Comment: This variant is classified as likely benign based on ACMG/AMP sequence variant interpretation guidelines (Richards et al. 2015 PMID: 25741868, with internal and published modifications).

Department of Pathology and Laboratory Medicine, Sinai Health System
Classification: Likely benign for Endometrial carcinoma. Review status: no assertion criteria provided. Collection method: clinical testing. Allele origin: unknown. Affected: yes. Observed: 1 variant allele. Study: The Canadian Open Genetics Repository (COGR). Not counted in ClinVar's aggregate classification.
Comment: The ATM p.Ser2797= variant was not identified in the literature nor was it identified in the GeneInsight-COGR, Cosmic, or LOVD 3.0 databases. The variant was identified in dbSNP (ID: rs566485657) as "With other allele" and ClinVar (classified as likely benign by Invitae, GeneDx, Ambry Genetics, and Color Genomics). The variant was identified in control databases in 35 of 276908 chromosomes at a frequency of 0.0001, increasing the likelihood this could be a low frequency benign variant (Genome Aggregation Database Feb 27, 2017). The variant was observed in the following populations: Other in 2 of 6464 chromosomes (freq: 0.0003), East Asian in 33 of 18864 chromosomes (freq: 0.002), while the variant was not observed in the African, Latino, European, Ashkenazi Jewish, Finnish, or South Asian populations. The p.Ser2797= variant is not expected to have clinical significance because it does not result in a change of amino acid and is not located in a known consensus splice site. In addition, 4 of 4 in silico or computational prediction software programs (SpliceSiteFinder, MaxEntScan, NNSPLICE, GeneSplicer) do not predict a difference in splicing. In summary, based on the above information, the clinical significance of this variant cannot be determined with certainty at this time although we would lean towards a more benign role for this variant. This variant is classified as likely benign.

NM_000051.4(ATM):c.8391T>C (p.Ser2797=)

Genes: ATM (ATM serine/threonine kinase; plus strand), C11orf65 (chromosome 11 open reading frame 65; minus strand). Cytogenetic location: 11q22.3.
Variant type: single nucleotide variant.
Coding change: c.8391T>C on transcript NM_000051.4 (MANE Select); coding-DNA position 8391, T replaced by C.
Protein change: p.Ser2797=; no amino-acid change (serine 2797 retained).
Molecular consequence: synonymous variant. On other transcripts: intron variant (2).
Genome position (GRCh38, 1-based): chr11:108,343,344, T>C. VCF-style: chr11-108343344-T-C. GRCh37 (hg19) VCF-style: chr11-108214071-T-C.
Other names: c.8391T>C, p.Ser2797= (NM_001351834.2); c.641-34273A>G (NM_001330368.2); c.695-8052A>G (NM_001351110.2).
Identifiers: ClinVar variation 236787 (VCV000236787.42), dbSNP rs566485657, ClinGen allele CA6266355.